The following is an entry in ClinVar:

ClinVar aggregate classification (germline): Likely pathogenic (1 of 4 stars; one submission).

Conditions:
Amyloidosis, hereditary systemic 1 (AMYLD1). Also called: Isolated Cardiac Amyloidosis; Amyloid Cardiomyopathy, Transthyretin-related; Familial amyloid polyneuropathy; Transthyretin Amyloidosis; AMYLOID CARDIOMYOPATHY; Hereditary Transthyretin Amyloidosis. Identifiers: Orphanet 85447, Orphanet 85451, MedGen C2751492, MONDO:0971004, OMIM 105210.

Submission:

Labcorp Genetics (formerly Invitae), Labcorp
Classification: Likely pathogenic for Amyloidosis, hereditary systemic 1. Last evaluated: 2021-08-04. Review status: criteria provided, single submitter. Criteria: Invitae Variant Classification Sherloc (09022015). Collection method: clinical testing. Allele origin: germline.
Comment: In summary, the currently available evidence indicates that the variant is pathogenic, but additional data are needed to prove that conclusively. Therefore, this variant has been classified as Likely Pathogenic. This variant disrupts the p.Glu74 amino acid residue in TTR. Other variant(s) that disrupt this residue have been determined to be pathogenic (PMID: 12101461, 25471118, 27238058, 16053476). This suggests that this residue is clinically significant, and that variants that disrupt this residue are likely to be disease-causing. Advanced modeling of protein sequence and biophysical properties (such as structural, functional, and spatial information, amino acid conservation, physicochemical variation, residue mobility, and thermodynamic stability) performed at Invitae indicates that this missense variant is expected to disrupt TTR protein function. This variant has been observed in individual(s) with TTR-related conditions (Invitae). This variant is not present in population databases (ExAC no frequency). This sequence change replaces glutamic acid with alanine at codon 74 of the TTR protein (p.Glu74Ala). The glutamic acid residue is highly conserved and there is a moderate physicochemical difference between glutamic acid and alanine.

Literature cited by the submitters: PubMed 12101461; PubMed 25471118; PubMed 27238058; PubMed 16053476.

NM_000371.4(TTR):c.221A>C (p.Glu74Ala)

Gene: TTR (transthyretin; plus strand). Cytogenetic location: 18q12.1.
Variant type: single nucleotide variant.
Coding change: c.221A>C on transcript NM_000371.4 (MANE Select); coding-DNA position 221, A replaced by C.
Protein change: p.Glu74Ala; replaces glutamic acid 74 with alanine.
Molecular consequence: missense variant.
Genome position (GRCh38, 1-based): chr18:31,595,140, A>C. VCF-style: chr18-31595140-A-C. GRCh37 (hg19) VCF-style: chr18-29175103-A-C.
Other names: short protein forms E74A.
Identifiers: ClinVar variation 1519705 (VCV001519705.6), dbSNP rs1598845097, ClinGen allele CA402156927.